The following is an entry in ClinVar:

ClinVar aggregate classification (germline): Conflicting classifications of pathogenicity. Review status: criteria provided, conflicting classifications (1 of 4 stars). 2 submissions from 2 submitters: Likely pathogenic (1); Uncertain significance (1). Last evaluated 2025-07-26.

Conditions:
Mucopolysaccharidosis type 1. Also called: Mucopolysaccharidosis Type I; IDUA deficiency; MPS I. Identifiers: Orphanet 579, MedGen C0023786, MONDO:0001586.

gnomAD v4.1: 1 of 1,529,188 alleles (0.000065%); highest among the groups gnomAD compares: Non-Finnish European, 0.000087%; no homozygotes.

Submissions (2):

Women's Health and Genetics/Laboratory Corporation of America, LabCorp
Classification: Uncertain significance. Last evaluated: 2025-07-26. Review status: criteria provided, single submitter. Criteria: LabCorp Variant Classification Summary - May 2015. Collection method: clinical testing. Allele origin: germline.
Comment: Variant summary: IDUA c.1598C>A (p.Pro533Gln) results in a non-conservative amino acid change in the encoded protein sequence. Algorithms developed to predict the effect of missense changes on protein structure and function all suggest that this variant is likely to be disruptive. The frequency data for this variant in gnomAD is considered unreliable, as metrics indicate poor data quality at this position. To our knowledge, no occurrence of c.1598C>A in individuals affected with Mucopolysaccharidosis Type 1 and no experimental evidence demonstrating its impact on protein function have been reported. A different variant affecting the same codon has been classified as pathogenic by our lab (c.1598C>G, p.Pro533Arg) and another (c.1598C>T, p.Pro533Leu), supporting the critical relevance of codon 533 to IDUA protein function. The following publication have been ascertained in the context of this evaluation (PMID: 28957316). ClinVar contains an entry for this variant (Variation ID: 1970157). Based on the evidence outlined above, the variant was classified as VUS-possibly pathogenic.

Labcorp Genetics (formerly Invitae), Labcorp
Classification: Likely pathogenic for Mucopolysaccharidosis type 1. Last evaluated: 2022-09-17. Review status: criteria provided, single submitter. Criteria: Invitae Variant Classification Sherloc (09022015). Collection method: clinical testing. Allele origin: germline.
Comment: In summary, the currently available evidence indicates that the variant is pathogenic, but additional data are needed to prove that conclusively. Therefore, this variant has been classified as Likely Pathogenic. This variant disrupts the p.Pro533 amino acid residue in IDUA. Other variant(s) that disrupt this residue have been determined to be pathogenic (PMID: 1301941, 10911525, 16435195). This suggests that this residue is clinically significant, and that variants that disrupt this residue are likely to be disease-causing. Advanced modeling of protein sequence and biophysical properties (such as structural, functional, and spatial information, amino acid conservation, physicochemical variation, residue mobility, and thermodynamic stability) performed at Invitae indicates that this missense variant is expected to disrupt IDUA protein function. This variant has not been reported in the literature in individuals affected with IDUA-related conditions. This variant is not present in population databases (gnomAD no frequency). This sequence change replaces proline, which is neutral and non-polar, with glutamine, which is neutral and polar, at codon 533 of the IDUA protein (p.Pro533Gln).

Literature cited by the submitters: PubMed 1301941 (cited by Labcorp Genetics (formerly Invitae), Labcorp); PubMed 10911525 (cited by Labcorp Genetics (formerly Invitae), Labcorp); PubMed 16435195 (cited by Labcorp Genetics (formerly Invitae), Labcorp).

NM_000203.5(IDUA):c.1598C>A (p.Pro533Gln)

Gene: IDUA (alpha-L-iduronidase; plus strand). Cytogenetic location: 4p16.3.
Variant type: single nucleotide variant.
Coding change: c.1598C>A on transcript NM_000203.5 (MANE Select); coding-DNA position 1598, C replaced by A.
Protein change: p.Pro533Gln; replaces proline 533 with glutamine.
Molecular consequence: missense variant. On other transcripts: non-coding transcript variant (1).
Genome position (GRCh38, 1-based): chr4:1,003,418, C>A. VCF-style: chr4-1003418-C-A. GRCh37 (hg19) VCF-style: chr4-997206-C-A.
Other names: c.1202C>A, p.Pro401Gln (NM_001363576.1); short protein forms P401Q, P533Q.
Identifiers: ClinVar variation 1970157 (VCV001970157.7), dbSNP rs121965021, ClinGen allele CA355965028.
Genomic context (GRCh38, chr4:1,003,418, plus strand): 5'-CGGCGCCCCGCCCCTTACCCGCCGGCGGCCGCCTGACCCTGCGCCCCGCGCTGCGGCTGC[C>A]GTCGCTTTTGCTGGTGCACGTGTGTGCGCGCCCCGAGAAGCCGCCCGGGCAGGCAAGTGG-3'
Protein context (NP_000194.2, residues 523-543): RLTLRPALRL[Pro533Gln]SLLLVHVCAR